The following is an entry in ClinVar:

NM_000053.4(ATP7B):c.1574C>T (p.Ala525Val)

Gene: ATP7B (ATPase copper transporting beta; minus strand). Cytogenetic location: 13q14.3.
Variant type: single nucleotide variant.
Coding change: c.1574C>T on transcript NM_000053.4 (MANE Select); coding-DNA position 1574, C replaced by T.
Protein change: p.Ala525Val; replaces alanine 525 with valine.
Molecular consequence: missense variant. On other transcripts: intron variant (3).
Genome position (GRCh38, 1-based): chr13:51,968,577, G>A on the plus strand (C>T on the coding strand, the complement: ATP7B is on the minus strand). VCF-style: chr13-51968577-G-A. GRCh37 (hg19) VCF-style: chr13-52542713-G-A.
Other names: c.1478C>T, p.Ala493Val (NM_001406517.1, NM_001406518.1, NM_001406543.1 and 3 more transcripts); c.1574C>T, p.Ala525Val (NM_001406519.1, NM_001406520.1, NM_001406521.1 and 26 more transcripts); c.1145C>T, p.Ala382Val (NM_001406539.1); c.1285+5358C>T (NM_001406548.1); c.1544-3C>T (NM_001406524.1, NM_001406514.1); c.1241C>T, p.Ala414Val (NM_001243182.2); short protein forms A382V, A414V, A493V, A525V.
Identifiers: ClinVar variation 3071095 (VCV003071095.1), dbSNP rs748976186, ClinGen allele CA6989298.
Genomic context (GRCh38, chr13:51,968,577, plus strand): 5'-AACTGAGCTATCTCGAGGGGCTGGATGACCTCTGGGTCATACTTGATCTCTGCCTTTCCT[G>A]CCATCAAGGCAACCAACACGGAGAGAACACCTGGAACCATCAGGTCATGGCTGTAACACT-3'
Protein context (NP_000044.2, residues 515-535): GVLSVLVALM[Ala525Val]GKAEIKYDPE

ClinVar aggregate classification (germline): Uncertain significance (1 of 4 stars; one submission).

Conditions:
Wilson disease (WND). Also called: Wilson's disease. Identifiers: Orphanet 905, MedGen C0019202, MONDO:0010200, OMIM 277900. Disease mechanism: loss of function.

Allele frequency attached by ClinVar (database versions not stated): gnomAD exomes below 0.00001; ExAC 0.00001.
gnomAD v4.1: 1 of 1,614,096 alleles (0.000062%); highest among the groups gnomAD compares: South Asian, 0.0011%; no homozygotes.

Submission:

All of Us Research Program, National Institutes of Health
Classification: Uncertain significance for Wilson disease. Last evaluated: 2023-05-16. Review status: criteria provided, single submitter. Criteria: ACMG Guidelines, 2015. Collection method: clinical testing. Allele origin: germline. Inheritance: Autosomal recessive inheritance. Observed: 1 variant allele, 1 heterozygote.
Comment: This missense variant replaces alanine with valine at codon 525 of the ATP7B protein. Computational prediction suggests that this variant may have deleterious impact on protein structure and function (internally defined REVEL score threshold >= 0.7, PMID: 27666373). To our knowledge, functional studies have not been reported for this variant. This variant has not been reported in individuals affected with ATP7B-related disorders in the literature. This variant has been identified in 1/249398 chromosomes in the general population by the Genome Aggregation Database (gnomAD). The available evidence is insufficient to determine the role of this variant in disease conclusively. Therefore, this variant is classified as a Variant of Uncertain Significance.

This study involves interpretation of variants in research participants for the purpose of population health screening. Participant phenotype was not available at the time of variant classification. Additional details can be found in publication PMID: 35346344, PMCID: PMC8962531